The following is an entry in ClinVar:

NM_001303256.3(MORC2):c.649A>G (p.Ile217Val)

Gene: MORC2 (MORC family CW-type zinc finger 2; minus strand). Cytogenetic location: 22q12.2.
Variant type: single nucleotide variant.
Coding change: c.649A>G on transcript NM_001303256.3 (MANE Select); coding-DNA position 649, A replaced by G.
Protein change: p.Ile217Val; replaces isoleucine 217 with valine.
Molecular consequence: missense variant.
Genome position (GRCh38, 1-based): chr22:30,941,940, T>C on the plus strand (A>G on the coding strand, the complement: MORC2 is on the minus strand). VCF-style: chr22-30941940-T-C. GRCh37 (hg19) VCF-style: chr22-31337927-T-C.
Other names: c.649A>G, p.Ile217Val (NM_001303257.2); c.463A>G, p.Ile155Val (NM_014941.3); short protein forms I217V, I155V.
Identifiers: ClinVar variation 642355 (VCV000642355.10), dbSNP rs375266158, ClinGen allele CA10187199.
Genomic context (GRCh38, chr22:30,941,940, plus strand): 5'-GCCACACTCACGTGCCCTCTGGGGACGTCTCTGCCATCTGGATATCTCTTGGATTTGAGA[T>C]TATGTCTAGTTCTGGCTCTCCATTATCCATGAGTTTGAGATTGAAGATGATCACCAATGT-3'
Protein context (NP_001290185.1, residues 207-227): MDNGEPELDI[Ile217Val]SNPRDIQMAE

ClinVar aggregate classification (germline): Uncertain significance. Review status: criteria provided, multiple submitters, no conflicts (2 of 4 stars). 2 submissions from 2 submitters: Uncertain significance (2). Last evaluated 2025-09-23.

Conditions:
Charcot-Marie-Tooth disease axonal type 2Z. Also called: CHARCOT-MARIE-TOOTH DISEASE, AXONAL, AUTOSOMAL DOMINANT, TYPE 2Z; CHARCOT-MARIE-TOOTH NEUROPATHY, TYPE 2Z. Identifiers: Orphanet 466768, MedGen C5569025, MONDO:0014736, OMIM 616688.
MORC2-related disorder. Also called: MORC2-related condition.

Allele frequency attached by ClinVar (database versions not stated): gnomAD 0.00001; TOPMed 0.00001; ESP Exome Variant Server 0.00008.
gnomAD v4.1: 22 of 1,613,780 alleles (0.0014%); highest among the groups gnomAD compares: Non-Finnish European, 0.0017%; no homozygotes.

Submissions (2):

PreventionGenetics, part of Exact Sciences
Classification: Uncertain significance for MORC2-related condition. Last evaluated: 2025-09-23. Review status: criteria provided, single submitter. Criteria: ACMG Guidelines, 2015. Collection method: clinical testing. Allele origin: germline.
Comment: The MORC2 c.649A>G variant is predicted to result in the amino acid substitution p.Ile217Val. To our knowledge, this variant has not been reported in the literature or in a large population database (gnomAD), indicating this variant is rare. At this time, the clinical significance of this variant is uncertain due to the absence of conclusive functional and genetic evidence.

Labcorp Genetics (formerly Invitae), Labcorp
Classification: Uncertain significance for Charcot-Marie-Tooth disease axonal type 2Z. Last evaluated: 2024-05-08. Review status: criteria provided, single submitter. Criteria: Invitae Variant Classification Sherloc (09022015). Collection method: clinical testing. Allele origin: germline.
Comment: This sequence change replaces isoleucine, which is neutral and non-polar, with valine, which is neutral and non-polar, at codon 217 of the MORC2 protein (p.Ile217Val). This variant is present in population databases (rs375266158, gnomAD 0.0009%). This variant has not been reported in the literature in individuals affected with MORC2-related conditions. ClinVar contains an entry for this variant (Variation ID: 642355). Algorithms developed to predict the effect of missense changes on protein structure and function output the following: SIFT: "Not Available"; PolyPhen-2: "Benign"; Align-GVGD: "Not Available". The valine amino acid residue is found in multiple mammalian species, which suggests that this missense change does not adversely affect protein function. In summary, the available evidence is currently insufficient to determine the role of this variant in disease. Therefore, it has been classified as a Variant of Uncertain Significance.